The following is an entry in ClinVar:

ClinVar aggregate classification (germline): Uncertain significance (1 of 4 stars; one submission).

Conditions:
Epileptic encephalopathy. Identifiers: MedGen C0543888, HP:0200134.

Submission:

Labcorp Genetics (formerly Invitae), Labcorp
Classification: Uncertain significance for Epileptic encephalopathy. Last evaluated: 2024-06-14. Review status: criteria provided, single submitter. Criteria: Invitae Variant Classification Sherloc (09022015). Collection method: clinical testing. Allele origin: germline.
Comment: This sequence change replaces alanine, which is neutral and non-polar, with aspartic acid, which is acidic and polar, at codon 446 of the GABBR2 protein (p.Ala446Asp). This variant is not present in population databases (gnomAD no frequency). This variant has not been reported in the literature in individuals affected with GABBR2-related conditions. Advanced modeling of protein sequence and biophysical properties (such as structural, functional, and spatial information, amino acid conservation, physicochemical variation, residue mobility, and thermodynamic stability) performed at Invitae indicates that this missense variant is not expected to disrupt GABBR2 protein function with a negative predictive value of 80%. In summary, the available evidence is currently insufficient to determine the role of this variant in disease. Therefore, it has been classified as a Variant of Uncertain Significance.

NM_005458.8(GABBR2):c.1337C>A (p.Ala446Asp)

Gene: GABBR2 (gamma-aminobutyric acid type B receptor subunit 2; minus strand). Cytogenetic location: 9q22.33.
Variant type: single nucleotide variant.
Coding change: c.1337C>A on transcript NM_005458.8 (MANE Select); coding-DNA position 1337, C replaced by A.
Protein change: p.Ala446Asp; replaces alanine 446 with aspartic acid.
Molecular consequence: missense variant.
Genome position (GRCh38, 1-based): chr9:98,394,216, G>T on the plus strand (C>A on the coding strand, the complement: GABBR2 is on the minus strand). VCF-style: chr9-98394216-G-T. GRCh37 (hg19) VCF-style: chr9-101156498-G-T.
Other names: short protein forms A446D.
Identifiers: ClinVar variation 3656360 (VCV003656360.2).
Genomic context (GRCh38, chr9:98,394,216, plus strand): 5'-AGAAGCCCACCTGCCTTACCTTGGAACCTGATGGTGTCATTGATGATCTCCAGTGTGTCG[G>T]CCACAGCGTTGTACTCTCCCACCTTCACCTCCCTGCTGTCTGTGGGGAGCAAAAGACAGT-3'
Protein context (NP_005449.5, residues 436-456): EVKVGEYNAV[Ala446Asp]DTLEIINDTI